The following is an entry in ClinVar:

ClinVar aggregate classification (germline): Pathogenic (1 of 4 stars; one submission).

Submission:

Labcorp Genetics (formerly Invitae), Labcorp
Classification: Pathogenic. Last evaluated: 2023-07-27. Review status: criteria provided, single submitter. Criteria: Invitae Variant Classification Sherloc (09022015). Collection method: clinical testing. Allele origin: germline.
Comment: For these reasons, this variant has been classified as Pathogenic. This variant has not been reported in the literature in individuals affected with PYCR2-related conditions. This variant is not present in population databases (gnomAD no frequency). This sequence change creates a premature translational stop signal (p.Gln112*) in the PYCR2 gene. It is expected to result in an absent or disrupted protein product. Loss-of-function variants in PYCR2 are known to be pathogenic (PMID: 25865492, 27860360).

Literature cited by the submitters: PubMed 25865492; PubMed 27860360.

NM_013328.4(PYCR2):c.334C>T (p.Gln112Ter)

Gene: PYCR2 (pyrroline-5-carboxylate reductase 2; minus strand). Cytogenetic location: 1q42.12.
Variant type: single nucleotide variant.
Coding change: c.334C>T on transcript NM_013328.4 (MANE Select); coding-DNA position 334, C replaced by T.
Protein change: p.Gln112Ter; replaces glutamine 112 with a stop codon.
Molecular consequence: nonsense. On other transcripts: intron variant (1).
Genome position (GRCh38, 1-based): chr1:225,922,064, G>A on the plus strand (C>T on the coding strand, the complement: PYCR2 is on the minus strand). VCF-style: chr1-225922064-G-A. GRCh37 (hg19) VCF-style: chr1-226109764-G-A.
Other names: c.318+140C>T (NM_001271681.2); short protein forms Q112*.
Identifiers: ClinVar variation 2747071 (VCV002747071.3), dbSNP rs2465058221, ClinGen allele CA345006603.